The following is an entry in ClinVar:

NM_016222.4(DDX41):c.714C>T (p.Pro238=)

Gene: DDX41 (DEAD-box helicase 41; minus strand). Cytogenetic location: 5q35.3.
Variant type: single nucleotide variant.
Coding change: c.714C>T on transcript NM_016222.4 (MANE Select); coding-DNA position 714, C replaced by T.
Protein change: p.Pro238=; no amino-acid change (proline 238 retained).
Molecular consequence: synonymous variant.
Genome position (GRCh38, 1-based): chr5:177,515,000, G>A on the plus strand (C>T on the coding strand, the complement: DDX41 is on the minus strand). VCF-style: chr5-177515000-G-A. GRCh37 (hg19) VCF-style: chr5-176942001-G-A.
Other names: c.336C>T, p.Pro112= (NM_001321732.2, NM_001321830.2); c.714C>T (NM_016222.2).
Identifiers: ClinVar variation 3061657 (VCV003061657.3), dbSNP rs571753440, ClinGen allele CA3585046.

ClinVar aggregate classification (germline): Likely benign. Review status: criteria provided, single submitter (1 of 4 stars). 2 submissions from 2 submitters: Likely benign (1). 1 of the submissions does not count toward it. Last evaluated 2024-11-25.

Conditions:
Inborn genetic diseases. Identifiers: MedGen C0950123, MeSH D030342.
DDX41-related disorder. Also called: DDX41-related condition.

Allele frequency attached by ClinVar (database versions not stated): ExAC 0.00003.
gnomAD v4.1: 42 of 1,613,640 alleles (0.0026%); highest among the groups gnomAD compares: Non-Finnish European, 0.0033%; no homozygotes.

Submissions (2):

Ambry Genetics
Classification: Likely benign for Inborn genetic diseases. Last evaluated: 2024-11-25. Review status: criteria provided, single submitter. Criteria: Ambry Variant Classification Scheme 2023. Collection method: clinical testing. Allele origin: germline.

PreventionGenetics, part of Exact Sciences
Classification: Likely benign for DDX41-related condition. Last evaluated: 2021-12-10. Review status: no assertion criteria provided. Collection method: clinical testing. Allele origin: germline. Not counted in ClinVar's aggregate classification.
Comment: This variant is classified as likely benign based on ACMG/AMP sequence variant interpretation guidelines (Richards et al. 2015 PMID: 25741868, with internal and published modifications).